The following is an entry in ClinVar:

NM_002282.3(KRT83):c.962G>A (p.Arg321His)

Gene: KRT83 (keratin 83; minus strand). Cytogenetic location: 12q13.13.
Variant type: single nucleotide variant.
Coding change: c.962G>A on transcript NM_002282.3 (MANE Select); coding-DNA position 962, G replaced by A.
Protein change: p.Arg321His; replaces arginine 321 with histidine.
Molecular consequence: missense variant.
Genome position (GRCh38, 1-based): chr12:52,316,547, C>T on the plus strand (G>A on the coding strand, the complement: KRT83 is on the minus strand). VCF-style: chr12-52316547-C-T. GRCh37 (hg19) VCF-style: chr12-52710331-C-T.
Other names: short protein forms R321H.
Identifiers: ClinVar variation 2895417 (VCV002895417.4), dbSNP rs201828918, ClinGen allele CA6577449.

ClinVar aggregate classification (germline): Uncertain significance. Review status: criteria provided, multiple submitters, no conflicts (2 of 4 stars). 2 submissions from 2 submitters: Uncertain significance (2). Last evaluated 2023-12-12.

Allele frequency attached by ClinVar (database versions not stated): gnomAD 0.00003; ExAC 0.00004; TOPMed 0.00005; ESP Exome Variant Server 0.00023.
gnomAD v4.1: 58 of 1,614,032 alleles (0.0036%); highest among the groups gnomAD compares: Middle Eastern, 0.016%; no homozygotes.

Submissions (2):

Ambry Genetics
Classification: Uncertain significance. Last evaluated: 2023-12-12. Review status: criteria provided, single submitter. Criteria: Ambry Variant Classification Scheme 2023. Collection method: clinical testing. Allele origin: germline.

Labcorp Genetics (formerly Invitae), Labcorp
Classification: Uncertain significance. Last evaluated: 2022-12-20. Review status: criteria provided, single submitter. Criteria: Invitae Variant Classification Sherloc (09022015). Collection method: clinical testing. Allele origin: germline.
Comment: This sequence change replaces arginine, which is basic and polar, with histidine, which is basic and polar, at codon 321 of the KRT83 protein (p.Arg321His). This variant is present in population databases (rs201828918, gnomAD 0.01%). This variant has not been reported in the literature in individuals affected with KRT83-related conditions. Advanced modeling of protein sequence and biophysical properties (such as structural, functional, and spatial information, amino acid conservation, physicochemical variation, residue mobility, and thermodynamic stability) performed at Invitae indicates that this missense variant is not expected to disrupt KRT83 protein function. In summary, the available evidence is currently insufficient to determine the role of this variant in disease. Therefore, it has been classified as a Variant of Uncertain Significance.